The following is an entry in ClinVar:

NM_016239.4(MYO15A):c.996C>G (p.Tyr332Ter)

Gene: MYO15A (myosin XVA; plus strand). Cytogenetic location: 17p11.2.
Variant type: single nucleotide variant.
Coding change: c.996C>G on transcript NM_016239.4 (MANE Select); coding-DNA position 996, C replaced by G.
Protein change: p.Tyr332Ter; replaces tyrosine 332 with a stop codon.
Molecular consequence: nonsense.
Genome position (GRCh38, 1-based): chr17:18,119,796, C>G. VCF-style: chr17-18119796-C-G. GRCh37 (hg19) VCF-style: chr17-18023110-C-G.
Other names: NM_016239.4(MYO15A):c.996C>G; p.Tyr332Ter; short protein forms Y332*.
Identifiers: ClinVar variation 505185 (VCV000505185.13), dbSNP rs759523751, ClinGen allele CA8422996.

ClinVar aggregate classification (germline): Pathogenic. Review status: reviewed by expert panel (3 of 4 stars). 4 submissions from 4 submitters: Pathogenic (1). 3 of the submissions do not count toward it. Last evaluated 2024-07-23.

Conditions:
Rare genetic deafness. Identifiers: Orphanet 96210, MedGen C5680250.
Nonsyndromic genetic hearing loss. Also called: Nonsyndromic genetic deafness; Nonsyndromic hearing loss and deafness; Non-syndromic genetic deafness. Identifiers: Orphanet 87884, MedGen C5680182, MONDO:0019497.
Autosomal recessive nonsyndromic hearing loss 3. Also called: NEUROSENSORY NONSYNDROMIC RECESSIVE DEAFNESS 3. Identifiers: Orphanet 90636, MedGen C1838263, MONDO:0010860, OMIM 600316.

Allele frequency attached by ClinVar (database versions not stated): ExAC 0.00001; gnomAD 0.00001; gnomAD exomes 0.00001; TOPMed 0.00002.
gnomAD v4.1: 53 of 1,613,002 alleles (0.0033%); highest among the groups gnomAD compares: Non-Finnish European, 0.0042%; no homozygotes.

Submissions (4):

ClinGen Hearing Loss Variant Curation Expert Panel
Classification: Pathogenic for Nonsyndromic genetic hearing loss. Last evaluated: 2024-07-23. Review status: reviewed by expert panel. Criteria: clingen hl acmg specifications otof myo15a v1. Collection method: curation. Allele origin: germline. Inheritance: Autosomal recessive inheritance.
Comment: The allele frequency of the c.996C>G (p.Tyr332Ter) variant in the MYO15A gene is 0.004% (50/1179998) of European non-Finnish alleles by gnomAD v4.1.1, which is a low enough frequency to apply PM2_Supporting based on the thresholds defined by the ClinGen Hearing Loss Expert Panel for autosomal recessive hearing loss (PM2_Supporting). The p.Tyr332Ter variant in MYO15A is predicted to cause a premature stop codon in biologically-relevant-exon 2/66 that leads to a truncated or absent protein in a gene in which loss-of-function is an established mechanism (PVS1). One proband with SNHL with a loss of function pathogenic variant but without parent testing was found in LMM internal data (PM3_Supporting). In summary, this variant meets criteria to be classified as pathogenic for autosomal recessive hearing loss based on the ACMG/AMP criteria applied, as specified by the Hearing Loss Expert Panel: PM2_Supporting, PVS1, PM3_Supporting. (ClinGen Hearing Loss VCEP specifications version 1; 7/23/2024)

Labcorp Genetics (formerly Invitae), Labcorp
Classification: Pathogenic. Last evaluated: 2023-11-24. Review status: criteria provided, single submitter. Criteria: Invitae Variant Classification Sherloc (09022015). Collection method: clinical testing. Allele origin: germline. Not counted in ClinVar's aggregate classification.
Comment: This sequence change creates a premature translational stop signal (p.Tyr332*) in the MYO15A gene. It is expected to result in an absent or disrupted protein product. Loss-of-function variants in MYO15A are known to be pathogenic (PMID: 17546645). This variant is present in population databases (rs759523751, gnomAD 0.003%). This variant has not been reported in the literature in individuals affected with MYO15A-related conditions. ClinVar contains an entry for this variant (Variation ID: 505185). For these reasons, this variant has been classified as Pathogenic.

Fulgent Genetics
Classification: Pathogenic for Autosomal recessive nonsyndromic hearing loss 3. Last evaluated: 2018-10-31. Review status: criteria provided, single submitter. Criteria: ACMG Guidelines, 2015. Collection method: clinical testing. Allele origin: unknown. Not counted in ClinVar's aggregate classification.

Laboratory for Molecular Medicine, Mass General Brigham Personalized Medicine
Classification: Pathogenic for Rare genetic deafness. Last evaluated: 2016-06-30. Review status: criteria provided, single submitter. Criteria: LMM Criteria. Collection method: clinical testing. Allele origin: germline. Inheritance: Autosomal recessive inheritance. Observed: 1 variant allele. Not counted in ClinVar's aggregate classification.
Comment: The p.Tyr332X variant in MYO15A has not been previously reported in individuals with hearing loss. It has been identified in 1/65810 of European chromosomes by the Exome Aggregation Consortium (ExAC). Althoug h this variant has been seen in the general population, its frequency is low eno ugh to be consistent with the carrier frequency for recessive hearing loss. Thi s nonsense variant leads to a premature termination codon at position 332 which is predicted to lead to a truncated or absent protein. Loss of function of the M YO15A gene is an established disease mechanism in autosomal recessive nonsyndrom ic hearing loss. In summary, this variant meets our criteria to be classified as pathogenic for nonsyndromic hearing loss in an autosomal recessive manner based on the predicted impact of the variant and extremely low allele frequency in th e general population.

Literature cited by the submitters: PubMed 17546645 (cited by Labcorp Genetics (formerly Invitae), Labcorp).